The following is an entry in ClinVar:

ClinVar aggregate classification (germline): Uncertain significance. Review status: criteria provided, multiple submitters, no conflicts (2 of 4 stars). 5 submissions from 3 submitters: Uncertain significance (5). Last evaluated 2022-10-13.

Conditions:
Charcot-Marie-Tooth disease axonal type 2X. Also called: CHARCOT-MARIE-TOOTH NEUROPATHY, TYPE 2X; CHARCOT-MARIE-TOOTH DISEASE, AXONAL, AUTOSOMAL RECESSIVE, TYPE 2X. Identifiers: Orphanet 466775, MedGen C5569024, MONDO:0014726, OMIM 616668.
Amyotrophic lateral sclerosis type 5 (ALS5). Also called: AMYOTROPHIC LATERAL SCLEROSIS 5, JUVENILE. Identifiers: Orphanet 300605, MedGen C1865864, MONDO:0011196, OMIM 602099.
Hereditary spastic paraplegia 11. Also called: SPASTIC PARAPLEGIA, AUTOSOMAL RECESSIVE, COMPLICATED, WITH THIN CORPUS CALLOSUM; SPASTIC PARAPLEGIA, AUTOSOMAL RECESSIVE, WITH MENTAL IMPAIRMENT AND THIN CORPUS CALLOSUM; Nakamura Osame syndrome; Autosomal recessive hereditary spastic paraplegia, mental impairment, and thin corpus callosum; Spastic paraplegia, mental retardation and thin corpus callosum; Spastic Paraplegia 11. Identifiers: Orphanet 2822, MedGen C1858479, MONDO:0011445, OMIM 604360.

Allele frequency attached by ClinVar (database versions not stated): gnomAD 0.00001; gnomAD exomes 0.00001; TOPMed 0.00001.
gnomAD v4.1: 8 of 1,613,744 alleles (0.0005%); highest among the groups gnomAD compares: Non-Finnish European, 0.00068%; no homozygotes.

Submissions (5):

Labcorp Genetics (formerly Invitae), Labcorp
Classification: Uncertain significance for Hereditary spastic paraplegia 11. Last evaluated: 2022-10-13. Review status: criteria provided, single submitter. Criteria: Invitae Variant Classification Sherloc (09022015). Collection method: clinical testing. Allele origin: germline.
Comment: This sequence change replaces histidine, which is basic and polar, with leucine, which is neutral and non-polar, at codon 2303 of the SPG11 protein (p.His2303Leu). This variant is present in population databases (no rsID available, gnomAD 0.003%). This variant has not been reported in the literature in individuals affected with SPG11-related conditions. ClinVar contains an entry for this variant (Variation ID: 887759). Advanced modeling of protein sequence and biophysical properties (such as structural, functional, and spatial information, amino acid conservation, physicochemical variation, residue mobility, and thermodynamic stability) performed at Invitae indicates that this missense variant is expected to disrupt SPG11 protein function. In summary, the available evidence is currently insufficient to determine the role of this variant in disease. Therefore, it has been classified as a Variant of Uncertain Significance.

Illumina Laboratory Services, Illumina
Classification: Uncertain significance for Hereditary spastic paraplegia 11. Last evaluated: 2018-01-13. Review status: criteria provided, single submitter. Criteria: ICSL Variant Classification Criteria 13 December 2019. Collection method: clinical testing. Allele origin: germline.

Genome-Nilou Lab
Classification: Uncertain significance for Amyotrophic lateral sclerosis type 5. Review status: criteria provided, single submitter. Criteria: ACMG Guidelines, 2015. Collection method: clinical testing. Allele origin: germline.

Genome-Nilou Lab
Classification: Uncertain significance for Charcot-Marie-Tooth disease axonal type 2X. Review status: criteria provided, single submitter. Criteria: ACMG Guidelines, 2015. Collection method: clinical testing. Allele origin: germline.

Genome-Nilou Lab
Classification: Uncertain significance for Hereditary spastic paraplegia 11. Review status: criteria provided, single submitter. Criteria: ACMG Guidelines, 2015. Collection method: clinical testing. Allele origin: germline.

NM_025137.4(SPG11):c.6908A>T (p.His2303Leu)

Gene: SPG11 (SPG11 vesicle trafficking associated, spatacsin; minus strand). Cytogenetic location: 15q21.1.
Variant type: single nucleotide variant.
Coding change: c.6908A>T on transcript NM_025137.4 (MANE Select); coding-DNA position 6908, A replaced by T.
Protein change: p.His2303Leu; replaces histidine 2303 with leucine.
Molecular consequence: missense variant.
Genome position (GRCh38, 1-based): chr15:44,565,945, T>A on the plus strand (A>T on the coding strand, the complement: SPG11 is on the minus strand). VCF-style: chr15-44565945-T-A. GRCh37 (hg19) VCF-style: chr15-44858143-T-A.
Other names: c.6569A>T, p.His2190Leu (NM_001160227.2); short protein forms H2190L, H2303L.
Identifiers: ClinVar variation 887759 (VCV000887759.10), dbSNP rs1350164343, ClinGen allele CA392213208.